The following is an entry in ClinVar:

ClinVar aggregate classification (germline): Uncertain significance (1 of 4 stars; one submission).

Conditions:
Primary ciliary dyskinesia. Also called: Ciliary dyskinesia. Identifiers: Orphanet 244, MedGen C0008780, MONDO:0016575, HP:0012265.

Allele frequency attached by ClinVar (database versions not stated): gnomAD exomes 0.00001 and 0.00002; TOPMed 0.00001; ExAC 0.00002; ESP Exome Variant Server 0.00008.

Submission:

Labcorp Genetics (formerly Invitae), Labcorp
Classification: Uncertain significance for Primary ciliary dyskinesia. Last evaluated: 2021-08-31. Review status: criteria provided, single submitter. Criteria: Invitae Variant Classification Sherloc (09022015). Collection method: clinical testing. Allele origin: germline.
Comment: This sequence change replaces arginine with cysteine at codon 198 of the CCDC114 protein (p.Arg198Cys). The arginine residue is moderately conserved and there is a large physicochemical difference between arginine and cysteine. This variant is present in population databases (rs113520498, ExAC 0.006%). This variant has not been reported in the literature in individuals affected with CCDC114-related conditions. Algorithms developed to predict the effect of missense changes on protein structure and function are either unavailable or do not agree on the potential impact of this missense change (SIFT: "Deleterious"; PolyPhen-2: "Probably Damaging"; Align-GVGD: "Class C0"). In summary, the available evidence is currently insufficient to determine the role of this variant in disease. Therefore, it has been classified as a Variant of Uncertain Significance.

NM_001364171.2(ODAD1):c.703C>T (p.Arg235Cys)

Gene: ODAD1 (outer dynein arm docking complex subunit 1; minus strand). Cytogenetic location: 19q13.33.
Variant type: single nucleotide variant.
Coding change: c.703C>T on transcript NM_001364171.2 (MANE Select); coding-DNA position 703, C replaced by T.
Protein change: p.Arg235Cys; replaces arginine 235 with cysteine.
Molecular consequence: missense variant.
Genome position (GRCh38, 1-based): chr19:48,304,103, G>A on the plus strand (C>T on the coding strand, the complement: ODAD1 is on the minus strand). VCF-style: chr19-48304103-G-A. GRCh37 (hg19) VCF-style: chr19-48807360-G-A.
Other names: c.592C>T, p.Arg198Cys (NM_144577.4); short protein forms R198C, R235C.
Identifiers: ClinVar variation 241878 (VCV000241878.6), dbSNP rs113520498, ClinGen allele CA9548984.